The following is an entry in ClinVar:

ClinVar aggregate classification (germline): Uncertain significance (1 of 4 stars; one submission).

Allele frequency attached by ClinVar (database versions not stated): gnomAD exomes 0.00001.
gnomAD v4.1: 7 of 1,613,590 alleles (0.00043%); highest among the groups gnomAD compares: East Asian, 0.0022%; no homozygotes.

Submission:

Labcorp Genetics (formerly Invitae), Labcorp
Classification: Uncertain significance. Last evaluated: 2023-06-29. Review status: criteria provided, single submitter. Criteria: Invitae Variant Classification Sherloc (09022015). Collection method: clinical testing. Allele origin: germline.
Comment: This sequence change replaces proline, which is neutral and non-polar, with alanine, which is neutral and non-polar, at codon 152 of the POLR3B protein (p.Pro152Ala). This variant is not present in population databases (gnomAD no frequency). This variant has not been reported in the literature in individuals affected with POLR3B-related conditions. Advanced modeling of protein sequence and biophysical properties (such as structural, functional, and spatial information, amino acid conservation, physicochemical variation, residue mobility, and thermodynamic stability) performed at Invitae indicates that this missense variant is not expected to disrupt POLR3B protein function. In summary, the available evidence is currently insufficient to determine the role of this variant in disease. Therefore, it has been classified as a Variant of Uncertain Significance.

NM_018082.6(POLR3B):c.454C>G (p.Pro152Ala)

Gene: POLR3B (RNA polymerase III subunit B; plus strand). Cytogenetic location: 12q23.3.
Variant type: single nucleotide variant.
Coding change: c.454C>G on transcript NM_018082.6 (MANE Select); coding-DNA position 454, C replaced by G.
Protein change: p.Pro152Ala; replaces proline 152 with alanine.
Molecular consequence: missense variant.
Genome position (GRCh38, 1-based): chr12:106,376,408, C>G. VCF-style: chr12-106376408-C-G. GRCh37 (hg19) VCF-style: chr12-106770186-C-G.
Other names: c.280C>G, p.Pro94Ala (NM_001160708.2); short protein forms P94A, P152A.
Identifiers: ClinVar variation 2901175 (VCV002901175.3), dbSNP rs1479883266, ClinGen allele CA386386303.